The following is an entry in ClinVar:

NM_001243279.3(ACSF3):c.1378dup (p.Val460fs)

Gene: ACSF3 (acyl-CoA synthetase family member 3; plus strand). Cytogenetic location: 16q24.3.
Variant type: Duplication.
Coding change: c.1378dup on transcript NM_001243279.3 (MANE Select); coding-DNA position 1378, one base duplicated (G; older notation c.1378dupG).
Protein change: p.Val460fs; shifts the reading frame from valine 460.
Molecular consequence: frameshift variant. On other transcripts: non-coding transcript variant (4).
Genome position (GRCh38, 1-based): chr16:89,145,278, G duplicated; the last of 2 consecutive G bases (chr16:89,145,277-89,145,278); duplicating either gives the same sequence. VCF-style (leftmost placement, unchanged base first): chr16-89145276-T-TG. GRCh37 (hg19) VCF-style: chr16-89211684-T-TG.
Other names: c.1378dupG (NM_174917.3, NM_174917.4); c.1378dup, p.Val460fs (NM_001127214.4, NM_174917.5); c.583dup, p.Val195fs (NM_001284316.2); short protein forms V460fs, V195fs.
Identifiers: ClinVar variation 426372 (VCV000426372.53), dbSNP rs751342087, ClinGen allele CA8238209.

ClinVar aggregate classification (germline): Pathogenic/Likely pathogenic. Review status: criteria provided, multiple submitters, no conflicts (2 of 4 stars). 5 submissions from 5 submitters: Pathogenic (1); Likely pathogenic (4). Last evaluated 2025-12-30.

Conditions:
Combined malonic and methylmalonic acidemia. Identifiers: Orphanet 289504, MedGen C3280314, MONDO:0013661, OMIM 614265.

Submissions (5):

Labcorp Genetics (formerly Invitae), Labcorp
Classification: Pathogenic for Combined malonic and methylmalonic acidemia. Last evaluated: 2025-12-30. Review status: criteria provided, single submitter. Criteria: Invitae Variant Classification Sherloc (09022015). Collection method: clinical testing. Allele origin: germline.
Comment: This sequence change creates a premature translational stop signal (p.Val460Glyfs*3) in the ACSF3 gene. It is expected to result in an absent or disrupted protein product. Loss-of-function variants in ACSF3 are known to be pathogenic (PMID: 21841779, 26827111). This variant is present in population databases (rs751342087, gnomAD 0.004%). This variant has not been reported in the literature in individuals affected with ACSF3-related conditions. ClinVar contains an entry for this variant (Variation ID: 426372). For these reasons, this variant has been classified as Pathogenic.

Natera, Inc.
Classification: Likely pathogenic for Combined malonic and methylmalonic aciduria. Last evaluated: 2024-05-24. Review status: criteria provided, single submitter. Criteria: Natera Variant Classification Schema (03/2026). Collection method: clinical testing. Allele origin: germline.
Comment: The c.1378dupG variant in ACSF3 is a frameshift variant predicted to shift the reading frame beginning at codon 460 and leads to a stop codon 3 codons downstream. This variant is expected to result in nonsense mediated decay, truncation, or a dysfunctional protein product. This variant is rare in the general population with a frequency below the threshold expected for the associated phenotype(s). Given the available evidence, this variant is classified as Likely Pathogenic.

Baylor Genetics
Classification: Likely pathogenic for Combined malonic and methylmalonic acidemia. Last evaluated: 2024-02-05. Review status: criteria provided, single submitter. Criteria: ACMG Guidelines, 2015. Collection method: clinical testing. Allele origin: unknown.

GeneDx
Classification: Likely pathogenic. Last evaluated: 2020-03-18. Review status: criteria provided, single submitter. Criteria: GeneDx Variant Classification Process June 2021. Collection method: clinical testing. Allele origin: germline. Affected: yes.
Comment: Frameshift variant predicted to result in protein truncation or nonsense mediated decay in a gene for which loss-of-function is a known mechanism of disease; Not observed at a significant frequency in large population cohorts (Lek et al., 2016); Has not been previously published as pathogenic or benign to our knowledge

CeGaT Center for Human Genetics Tuebingen
Classification: Likely pathogenic. Last evaluated: 2016-08-01. Review status: criteria provided, single submitter. Criteria: CeGaT Center For Human Genetics Tuebingen Variant Classification Criteria Version 2. Collection method: clinical testing. Allele origin: germline. Affected: yes. Observed: 1 variant allele.

Literature cited by the submitters: PubMed 21841779 (cited by Labcorp Genetics (formerly Invitae), Labcorp); PubMed 26827111 (cited by Labcorp Genetics (formerly Invitae), Labcorp).